The following is an entry in ClinVar:

NM_015412.4(RMP64):c.976_978del

Gene: RMP64 (ribonuclease MRP subunit p64; minus strand). Cytogenetic location: 3q13.2.
Variant type: Deletion.
Coding change: c.976_978del on transcript NM_015412.4 (MANE Select); coding-DNA positions 976 to 978, 3 bases deleted (GAG; older notation c.976_978delGAG).
Molecular consequence: splice acceptor variant.
Genome position (GRCh38, 1-based): chr3:113,008,428-113,008,430, CTC deleted on the plus strand (GAG on the coding strand, the reverse complement: RMP64 is on the minus strand); deleting any 3 consecutive bases within chr3:113,008,428-113,008,432 gives the same sequence; the c. name uses the placement nearest the transcript's 3' end. VCF-style (leftmost placement, unchanged base first): chr3-113008427-TCTC-T. GRCh37 (hg19) VCF-style: chr3-112727274-TCTC-T.
Other names: c.976_978delGAG (NM_015412.3).
Identifiers: ClinVar variation 719030 (VCV000719030.6), dbSNP rs554262756, ClinGen allele CA2542014.

ClinVar aggregate classification (germline): Likely benign. Review status: criteria provided, multiple submitters, no conflicts (2 of 4 stars). 3 submissions from 3 submitters: Likely benign (2). 1 of the submissions does not count toward it. Last evaluated 2026-09-01.

Conditions:
NEPRO-related disorder. Also called: NEPRO-related condition.

Submissions (3):

CeGaT Center for Human Genetics Tuebingen
Classification: Likely benign. Last evaluated: 2026-09-01. Review status: criteria provided, single submitter. Criteria: CeGaT Center For Human Genetics Tuebingen Variant Classification Criteria Version 2. Collection method: clinical testing. Allele origin: germline. Affected: yes. Observed: 1 variant allele.
Comment: RMP64: PM4:Supporting, BS2

Labcorp Genetics (formerly Invitae), Labcorp
Classification: Likely benign. Last evaluated: 2018-03-30. Review status: criteria provided, single submitter. Criteria: Invitae Variant Classification Sherloc (09022015). Collection method: clinical testing. Allele origin: germline.

PreventionGenetics, part of Exact Sciences
Classification: Benign for NEPRO-related condition. Last evaluated: 2019-05-24. Review status: no assertion criteria provided. Collection method: clinical testing. Allele origin: germline. Not counted in ClinVar's aggregate classification.
Comment: This variant is classified as benign based on ACMG/AMP sequence variant interpretation guidelines (Richards et al. 2015 PMID: 25741868, with internal and published modifications).